The following is an entry in ClinVar:

NM_001354604.2(MITF):c.739C>T (p.Pro247Ser)

Gene: MITF (melanocyte inducing transcription factor; plus strand). Cytogenetic location: 3p13.
Variant type: single nucleotide variant.
Coding change: c.739C>T on transcript NM_001354604.2 (MANE Select); coding-DNA position 739, C replaced by T.
Protein change: p.Pro247Ser; replaces proline 247 with serine.
Molecular consequence: missense variant.
Genome position (GRCh38, 1-based): chr3:69,941,308, C>T. VCF-style: chr3-69941308-C-T. GRCh37 (hg19) VCF-style: chr3-69990459-C-T.
Other names: c.418C>T, p.Pro140Ser (NM_000248.4, NM_198158.3); c.583C>T, p.Pro195Ser (NM_001184967.2, NM_001354608.2); c.736C>T, p.Pro246Ser (NM_001354605.2, NM_001354606.2, NM_006722.3); c.688C>T, p.Pro230Ser (NM_001354607.2); c.739C>T, p.Pro247Ser (NM_198159.3); c.691C>T, p.Pro231Ser (NM_198177.3); c.250C>T, p.Pro84Ser (NM_198178.3); short protein forms P231S, P84S, P195S, P230S, P247S, P246S, P140S.
Identifiers: ClinVar variation 2937793 (VCV002937793.4), dbSNP rs749465060, ClinGen allele CA2490451.

ClinVar aggregate classification (germline): Conflicting classifications of pathogenicity. Review status: criteria provided, conflicting classifications (1 of 4 stars). 3 submissions from 3 submitters: Uncertain significance (2); Likely benign (1). Last evaluated 2025-12-22.

Conditions:
Tietz syndrome (TADS). Also called: ALBINISM-DEAFNESS OF TIETZ; HYPOPIGMENTATION/DEAFNESS OF TIETZ; TIETZ ALBINISM-DEAFNESS SYNDROME. Identifiers: Orphanet 42665, MedGen C0391816, MONDO:0007077, OMIM 103500.
Waardenburg syndrome type 2A (WS2A). Also called: WAARDENBURG SYNDROME WITHOUT DYSTOPIA CANTHORUM. Identifiers: Orphanet 3440, MedGen C1860339, MONDO:0008671, OMIM 193510.
Melanoma, cutaneous malignant, susceptibility to, 8. Also called: MELANOMA AND RENAL CELL CARCINOMA, SUSCEPTIBILITY TO; Cutaneous malignant melanoma 8. Identifiers: Orphanet 293822, MedGen C3152204, MONDO:0013759, OMIM 614456.
Hereditary cancer-predisposing syndrome. Also called: Hereditary Cancer Syndrome; Neoplastic Syndromes, Hereditary; Tumor predisposition; Hereditary neoplastic syndrome. Identifiers: Orphanet 140162, MedGen C0027672, MeSH D009386, MONDO:0015356.

Allele frequency attached by ClinVar (database versions not stated): gnomAD exomes below 0.00001; ExAC 0.00001; gnomAD 0.00001.

Submissions (3):

Labcorp Genetics (formerly Invitae), Labcorp
Classification: Uncertain significance for Melanoma, cutaneous malignant, susceptibility to, 8; Waardenburg syndrome type 2A; Tietz syndrome. Last evaluated: 2025-12-22. Review status: criteria provided, single submitter. Criteria: Invitae Variant Classification Sherloc (09022015). Collection method: clinical testing. Allele origin: germline.
Comment: This sequence change replaces proline, which is neutral and non-polar, with serine, which is neutral and polar, at codon 140 of the MITF protein (p.Pro140Ser). This variant is present in population databases (rs749465060, gnomAD 0.002%). This variant has not been reported in the literature in individuals affected with MITF-related conditions. ClinVar contains an entry for this variant (Variation ID: 2937793). Invitae Evidence Modeling of protein sequence and biophysical properties (such as structural, functional, and spatial information, amino acid conservation, physicochemical variation, residue mobility, and thermodynamic stability) indicates that this missense variant is not expected to disrupt MITF protein function with a negative predictive value of 80%. In summary, the available evidence is currently insufficient to determine the role of this variant in disease. Therefore, it has been classified as a Variant of Uncertain Significance.

Ambry Genetics
Classification: Uncertain significance for Hereditary cancer-predisposing syndrome. Last evaluated: 2025-02-03. Review status: criteria provided, single submitter. Criteria: Ambry Variant Classification Scheme 2023. Collection method: clinical testing. Allele origin: germline.
Comment: The p.P140S variant (also known as c.418C>T), located in coding exon 4 of the MITF gene, results from a C to T substitution at nucleotide position 418. The proline at codon 140 is replaced by serine, an amino acid with similar properties. This amino acid position is conserved. In addition, this alteration is predicted to be tolerated by in silico analysis. Based on the available evidence, the clinical significance of this variant remains unclear.

GeneDx
Classification: Likely benign. Last evaluated: 2024-08-23. Review status: criteria provided, single submitter. Criteria: GeneDx Variant Classification Process June 2021. Collection method: clinical testing. Allele origin: germline. Affected: yes.
Comment: See Variant Classification Assertion Criteria.